The following is an entry in ClinVar:

NM_001393769.1(MED12L):c.709G>A (p.Ala237Thr)

Gene: MED12L (mediator complex subunit 12L; plus strand). Cytogenetic location: 3q25.1.
Variant type: single nucleotide variant.
Coding change: c.709G>A on transcript NM_001393769.1 (MANE Select); coding-DNA position 709, G replaced by A.
Protein change: p.Ala237Thr; replaces alanine 237 with threonine.
Molecular consequence: missense variant.
Genome position (GRCh38, 1-based): chr3:151,156,313, G>A. VCF-style: chr3-151156313-G-A. GRCh37 (hg19) VCF-style: chr3-150874100-G-A.
Other names: c.709G>A, p.Ala237Thr (NM_053002.6); short protein forms A237T.
Identifiers: ClinVar variation 5008416 (VCV005008416.1).

ClinVar aggregate classification (germline): Uncertain significance (1 of 4 stars; one submission).

gnomAD v4.1: 1 of 1,608,086 alleles (0.000062%); highest among the groups gnomAD compares: Non-Finnish European, 0.000085%; no homozygotes.

Submission:

GeneDx
Classification: Uncertain significance. Last evaluated: 2026-03-03. Review status: criteria provided, single submitter. Criteria: GeneDx Variant Classification Process June 2021. Collection method: clinical testing. Allele origin: germline.
Comment: Not observed at significant frequency in large population cohorts (gnomAD); In silico analysis supports that this missense variant has a deleterious effect on protein structure/function; Has not been previously published as pathogenic or benign to our knowledge